The following is an entry in ClinVar:

NM_000083.3(CLCN1):c.261C>T (p.Thr87=)

Gene: CLCN1 (chloride voltage-gated channel 1; plus strand). Cytogenetic location: 7q34.
Variant type: single nucleotide variant.
Coding change: c.261C>T on transcript NM_000083.3 (MANE Select); coding-DNA position 261, C replaced by T.
Protein change: p.Thr87=; no amino-acid change (threonine 87 retained).
Molecular consequence: synonymous variant. On other transcripts: non-coding transcript variant (1).
Genome position (GRCh38, 1-based): chr7:143,319,835, C>T. VCF-style: chr7-143319835-C-T. GRCh37 (hg19) VCF-style: chr7-143016928-C-T.
Other names: p.Thr87=.
Identifiers: ClinVar variation 359094 (VCV000359094.21), dbSNP rs6962852, ClinGen allele CA4536877.
Genomic context (GRCh38, chr7:143,319,835, plus strand): 5'-ACAATTCTCAGACAGGGAGCAGGACATAGGGATGCCCAAGAAGACAGGCTCCAGTTCTAC[C>T]GTGGACAGCAAGGATGAGGATCACTATTCTAAATGTCAAGGTGATGGGGACTGAGGAATA-3'
Protein context (NP_000074.3, residues 77-97): GMPKKTGSSS[Thr87=]VDSKDEDHYS

ClinVar aggregate classification (germline): Benign/Likely benign. Review status: criteria provided, multiple submitters, no conflicts (2 of 4 stars). 10 submissions from 9 submitters: Benign (9); Likely benign (1). Last evaluated 2026-02-04.

Conditions:
Batten-Turner congenital myopathy. Also called: Myotonia congenita; Congenital myotonia. Identifiers: Orphanet 206973, MedGen C0027127, MONDO:0100468, OMIM 255300.
Congenital myotonia, autosomal dominant form (THD). Also called: THOMSEN DISEASE; Myotonia congenita autosomal dominant. Identifiers: Orphanet 614, MedGen C2936781, MONDO:0008055, OMIM 160800.
Congenital myotonia, autosomal recessive form. Also called: myotonia congenita, autosomal recessive; BECKER DISEASE; Becker Generalized Myotonia. Identifiers: Orphanet 614, MedGen C0751360, MONDO:0009715, OMIM 255700.

Allele frequency attached by ClinVar (database versions not stated): gnomAD exomes 0.30256; 1000 Genomes Project 0.32288; 1000 Genomes Project 30x 0.32964; gnomAD 0.36456 and 0.37404; TOPMed 0.37641; ESP Exome Variant Server 0.40797.
gnomAD v4.1: 498,372 of 1,612,348 alleles (31%); highest among the groups gnomAD compares: African/African-American, 57%; 83,032 homozygotes.

Submissions (10):

Labcorp Genetics (formerly Invitae), Labcorp
Classification: Benign for Congenital myotonia, autosomal recessive form; Congenital myotonia, autosomal dominant form. Last evaluated: 2026-02-04. Review status: criteria provided, single submitter. Criteria: Invitae Variant Classification Sherloc (09022015). Collection method: clinical testing. Allele origin: germline.

Women's Health and Genetics/Laboratory Corporation of America, LabCorp
Classification: Benign. Last evaluated: 2025-07-25. Review status: criteria provided, single submitter. Criteria: LabCorp Variant Classification Summary - May 2015. Collection method: clinical testing. Allele origin: germline.

Blueprint Genetics
Classification: Likely benign. Last evaluated: 2024-11-27. Review status: criteria provided, single submitter. Criteria: ACMG Guidelines, 2015. Collection method: clinical testing. Allele origin: germline.

Genome-Nilou Lab
Classification: Benign for Congenital myotonia, autosomal dominant form. Last evaluated: 2021-07-22. Review status: criteria provided, single submitter. Criteria: ACMG Guidelines, 2015. Collection method: clinical testing. Allele origin: germline. Affected: no.

Genome-Nilou Lab
Classification: Benign for Congenital myotonia, autosomal recessive form. Last evaluated: 2021-07-22. Review status: criteria provided, single submitter. Criteria: ACMG Guidelines, 2015. Collection method: clinical testing. Allele origin: germline. Affected: no.

Illumina Laboratory Services, Illumina
Classification: Benign for Myotonia congenita. Last evaluated: 2018-01-13. Review status: criteria provided, single submitter. Criteria: ICSL Variant Classification Criteria 13 December 2019. Collection method: clinical testing. Allele origin: germline.
Comment: This variant was observed in the ICSL laboratory as part of a predisposition screen in an ostensibly healthy population. It had not been previously curated by ICSL or reported in the Human Gene Mutation Database (HGMD: prior to June 1st, 2018), and was therefore a candidate for classification through an automated scoring system. Utilizing variant allele frequency, disease prevalence and penetrance estimates, and inheritance mode, an automated score was calculated to assess if this variant is too frequent to cause the disease. Based on the score and internal cut-off values, a variant classified as benign is not then subjected to further curation. The score for this variant resulted in a classification of benign for this disease.

Mayo Clinic Laboratories, Mayo Clinic
Classification: Benign. Last evaluated: 2017-07-24. Review status: criteria provided, single submitter. Criteria: ACMG Guidelines, 2015. Collection method: clinical testing. Allele origin: germline. Observed: 295 variant alleles.

GeneDx
Classification: Benign. Last evaluated: 2016-01-29. Review status: criteria provided, single submitter. Criteria: GeneDx Variant Classification (06012015). Collection method: clinical testing. Allele origin: germline. Affected: yes.
Comment: This variant is considered likely benign or benign based on one or more of the following criteria: it is a conservative change, it occurs at a poorly conserved position in the protein, it is predicted to be benign by multiple in silico algorithms, and/or has population frequency not consistent with disease.

Breakthrough Genomics
Classification: Benign. Review status: criteria provided, single submitter. Criteria: ACMG Guidelines, 2015. Collection method: not provided. Allele origin: germline. Inheritance: Autosomal recessive inheritance. Affected: yes.

Department Of Human Genetics, Institute Of Clinical And Translational Research, Biomedical Research Center, Slovak Academy Of Sciences
Classification: Benign for Congenital myotonia, autosomal recessive form; Congenital myotonia, autosomal dominant form. Review status: criteria provided, single submitter. Criteria: ACMG Guidelines, 2015. Collection method: research. Allele origin: germline. Inheritance: Autosomal unknown. Affected: yes. Observed: 16 variant alleles.
Comment: The c.261C>T (p.(Thr87=))variant was found in 16 Slovak patients with Myotonia congenita, in 3 and 13 in homozygous and heterozygous states, respectively. It is a silent variant, it is predicted to be benign by multiple in silico algorithms, and/or has a population frequency not consistent with the disease (gnomAD ExomesVersion: 4.0 frequency f = 0.303).